The following is an entry in ClinVar:

ClinVar aggregate classification (germline): Uncertain significance. Review status: criteria provided, multiple submitters, no conflicts (2 of 4 stars). 2 submissions from 2 submitters: Uncertain significance (2). Last evaluated 2025-10-25.

gnomAD v4.1: 14 of 1,613,970 alleles (0.00087%); highest among the groups gnomAD compares: Non-Finnish European, 0.0012%; no homozygotes.

Submissions (2):

Labcorp Genetics (formerly Invitae), Labcorp
Classification: Uncertain significance. Last evaluated: 2025-10-25. Review status: criteria provided, single submitter. Criteria: Invitae Variant Classification Sherloc (09022015). Collection method: clinical testing. Allele origin: germline.
Comment: This sequence change replaces arginine, which is basic and polar, with tryptophan, which is neutral and slightly polar, at codon 1131 of the DSCAML1 protein (p.Arg1131Trp). This variant is present in population databases (rs563772293, gnomAD 0.007%). This variant has not been reported in the literature in individuals affected with DSCAML1-related conditions. ClinVar contains an entry for this variant (Variation ID: 3712664). An algorithm developed to predict the effect of missense changes on protein structure and function (PolyPhen-2) suggests that this variant is likely to be disruptive. In summary, the available evidence is currently insufficient to determine the role of this variant in disease. Therefore, it has been classified as a Variant of Uncertain Significance.

Ambry Genetics
Classification: Uncertain significance. Last evaluated: 2025-09-22. Review status: criteria provided, single submitter. Criteria: Ambry Variant Classification Scheme 2023. Collection method: clinical testing. Allele origin: germline.

NM_020693.4(DSCAML1):c.3211C>T (p.Arg1071Trp)

Gene: DSCAML1 (DS cell adhesion molecule like 1; minus strand). Cytogenetic location: 11q23.3.
Variant type: single nucleotide variant.
Coding change: c.3211C>T on transcript NM_020693.4 (MANE Select); coding-DNA position 3211, C replaced by T.
Protein change: p.Arg1071Trp; replaces arginine 1071 with tryptophan.
Molecular consequence: missense variant.
Genome position (GRCh38, 1-based): chr11:117,464,996, G>A on the plus strand (C>T on the coding strand, the complement: DSCAML1 is on the minus strand). VCF-style: chr11-117464996-G-A. GRCh37 (hg19) VCF-style: chr11-117335712-G-A.
Other names: c.3391C>T (NM_020693.2); short protein forms R1071W.
Identifiers: ClinVar variation 3712664 (VCV003712664.3).